The following is an entry in ClinVar:

NM_000059.4(BRCA2):c.2744C>G (p.Thr915Ser)

Gene: BRCA2 (BRCA2 DNA repair associated; plus strand). Cytogenetic location: 13q13.1.
Variant type: single nucleotide variant.
Coding change: c.2744C>G on transcript NM_000059.4 (MANE Select); coding-DNA position 2744, C replaced by G.
Protein change: p.Thr915Ser; replaces threonine 915 with serine.
Molecular consequence: missense variant.
Genome position (GRCh38, 1-based): chr13:32,337,099, C>G. VCF-style: chr13-32337099-C-G. GRCh37 (hg19) VCF-style: chr13-32911236-C-G.
Other names: short protein forms T915S.
Identifiers: ClinVar variation 186229 (VCV000186229.15), dbSNP rs786202795, ClinGen allele CA016236.
Genomic context (GRCh38, chr13:32,337,099, plus strand): 5'-CTAATGAAAGGAATAATCTTGCTTTAGGAAATACTAAGGAACTTCATGAAACAGACTTGA[C>G]TTGTGTAAACGAACCCATTTTCAAGAACTCTACCATGGTTTTATATGGAGACACAGGTGA-3'
Protein context (NP_000050.3, residues 905-925): NTKELHETDL[Thr915Ser]CVNEPIFKNS

ClinVar aggregate classification (germline): Conflicting classifications of pathogenicity. Review status: criteria provided, conflicting classifications (1 of 4 stars). 3 submissions from 3 submitters: Uncertain significance (1); Likely benign (2). Last evaluated 2024-08-02.

Conditions:
Hereditary cancer-predisposing syndrome. Also called: Neoplastic Syndromes, Hereditary; Tumor predisposition; Hereditary Cancer Syndrome; Hereditary neoplastic syndrome. Identifiers: Orphanet 140162, MedGen C0027672, MeSH D009386, MONDO:0015356.
Hereditary breast ovarian cancer syndrome. Also called: Hereditary breast and ovarian cancer; Hereditary breast and/or ovarian cancer syndrome; BRCA1- and BRCA2-Associated Hereditary Breast and Ovarian Cancer; Hereditary breast and ovarian cancer syndrome (HBOC); Hereditary breast and ovarian cancer syndrome; Breast and ovarian cancer. Identifiers: Orphanet 145, MedGen C0677776, MeSH D061325, MONDO:0003582. Disease mechanism: loss of function.

Allele frequency attached by ClinVar (database versions not stated): gnomAD exomes below 0.00001; gnomAD 0.00001.

Submissions (3):

Labcorp Genetics (formerly Invitae), Labcorp
Classification: Uncertain significance for Hereditary breast ovarian cancer syndrome. Last evaluated: 2024-08-02. Review status: criteria provided, single submitter. Criteria: Invitae Variant Classification Sherloc (09022015). Collection method: clinical testing. Allele origin: germline.
Comment: This sequence change replaces threonine, which is neutral and polar, with serine, which is neutral and polar, at codon 915 of the BRCA2 protein (p.Thr915Ser). This variant is present in population databases (rs786202795, gnomAD 0.006%). This variant has not been reported in the literature in individuals affected with BRCA2-related conditions. ClinVar contains an entry for this variant (Variation ID: 186229). Advanced modeling of protein sequence and biophysical properties (such as structural, functional, and spatial information, amino acid conservation, physicochemical variation, residue mobility, and thermodynamic stability) performed at Invitae indicates that this missense variant is not expected to disrupt BRCA2 protein function with a negative predictive value of 95%. In summary, the available evidence is currently insufficient to determine the role of this variant in disease. Therefore, it has been classified as a Variant of Uncertain Significance.

University of Washington Department of Laboratory Medicine, University of Washington
Classification: Likely benign for Hereditary cancer-predisposing syndrome. Last evaluated: 2023-03-23. Review status: criteria provided, single submitter. Criteria: Dines et al. (Genet Med. 2020). Collection method: curation. Allele origin: germline.
Comment: Missense variant in a coldspot region where missense variants are very unlikely to be pathogenic (PMID:31911673).

BRCA2 exon 11 coldspot. Reclassification based on statistical prior probability.

Ambry Genetics
Classification: Likely benign for Hereditary cancer-predisposing syndrome. Last evaluated: 2018-05-10. Review status: criteria provided, single submitter. Criteria: Ambry Variant Classification Scheme 2023. Collection method: clinical testing. Allele origin: germline.